The following is an entry in ClinVar:

ClinVar aggregate classification (germline): Likely benign. Review status: criteria provided, multiple submitters, no conflicts (2 of 4 stars). 2 submissions from 2 submitters: Likely benign (2). Last evaluated 2018-06-14.

Allele frequency attached by ClinVar (database versions not stated): gnomAD exomes 0.02748 and 0.03133; 1000 Genomes Project 30x 0.01608; 1000 Genomes Project 0.01717; ESP Exome Variant Server 0.02668; gnomAD 0.02702 and 0.02725; TOPMed 0.02733; ExAC 0.03186.
gnomAD v4.1: 40,574 of 1,312,874 alleles (3.1%); highest among the groups gnomAD compares: Middle Eastern, 5.9%; 722 homozygotes.

Submissions (2):

GeneDx
Classification: Likely benign. Last evaluated: 2018-06-14. Review status: criteria provided, single submitter. Criteria: GeneDx Variant Classification (06012015). Collection method: clinical testing. Allele origin: germline. Affected: yes.
Comment: This variant is considered likely benign or benign based on one or more of the following criteria: it is a conservative change, it occurs at a poorly conserved position in the protein, it is predicted to be benign by multiple in silico algorithms, and/or has population frequency not consistent with disease.

Breakthrough Genomics
Classification: Likely benign. Review status: criteria provided, single submitter. Criteria: ACMG Guidelines, 2015. Collection method: not provided. Allele origin: germline. Inheritance: Autosomal dominant inheritance. Affected: yes.

NM_016203.4(PRKAG2):c.1437+47A>G

Gene: PRKAG2 (protein kinase AMP-activated non-catalytic subunit gamma 2; minus strand). Cytogenetic location: 7q36.1.
Variant type: single nucleotide variant.
Coding change: c.1437+47A>G on transcript NM_016203.4 (MANE Select); 47 bases into the intron after coding-DNA position 1437, A replaced by G.
Molecular consequence: intron variant.
Genome position (GRCh38, 1-based): chr7:151,565,299, T>C on the plus strand (A>G on the coding strand, the complement: PRKAG2 is on the minus strand). VCF-style: chr7-151565299-T-C. GRCh37 (hg19) VCF-style: chr7-151262385-T-C.
Other names: c.1305+47A>G (NM_001040633.2); c.1062+47A>G (NM_001304527.2); c.1065+47A>G (NM_001363698.2); c.714+47A>G (NM_001304531.2, NM_024429.2).
Identifiers: ClinVar variation 671507 (VCV000671507.2), dbSNP rs73156279, ClinGen allele CA055094.